The following is an entry in ClinVar:

ClinVar aggregate classification (germline): Conflicting classifications of pathogenicity. Review status: criteria provided, conflicting classifications (1 of 4 stars). 5 submissions from 5 submitters: Pathogenic (2); Uncertain significance (3). Last evaluated 2026-06-29.

Conditions:
Sitosterolemia (STSL). Also called: PHYTOSTEROLEMIA. Identifiers: Orphanet 2882, MedGen C0342907, MONDO:0008863.
Cardiovascular phenotype. Identifiers: MedGen CN230736.

Submissions (5):

Women's Health and Genetics/Laboratory Corporation of America, LabCorp
Classification: Pathogenic for Sitosterolemia. Last evaluated: 2026-06-29. Review status: criteria provided, single submitter. Criteria: LabCorp Variant Classification Summary - May 2015. Collection method: clinical testing. Allele origin: germline.
Comment: Variant summary: ABCG8 c.1256_1257delinsAA (p.Ile419Lys) results in a non-conservative amino acid change located in the ABC-2 type transporter, transmembrane domain (IPR013525) of the encoded protein sequence. Algorithms developed to predict the effect of missense changes on protein structure and function are either unavailable or do not agree on the potential impact of this missense change. The variant was absent in 251446 control chromosomes. c.1256_1257delinsAA has been observed in individual(s) affected with Sitosterolemia (Hashimoto_2020, Kojima_2020, Tada_2022, Gu_2024, internal data). It was also found in the heterozygous state in individuals with features of Hypercholesterolaemia without strong evidence of causality (Lek_2018, Zhang_2023). These data indicate that the variant is likely to be associated with disease. To our knowledge, no experimental evidence demonstrating an impact on protein function has been reported. The following publications have been ascertained in the context of this evaluation (PMID: 38509578, 33014402, 32275988, 29353225, 35248527, 36991406). ClinVar contains an entry for this variant (Variation ID: 1304525). Based on the evidence outlined above, the variant was classified as pathogenic.

Department of Cardiology, Mackay Memorial Hospital
Classification: Uncertain significance for Sitosterolemia. Last evaluated: 2026-03-05. Review status: criteria provided, single submitter. Criteria: ACMG Guidelines, 2015. Collection method: clinical testing. Allele origin: germline. Affected: yes.
Comment: The ABCG8 c.1256_1257delinsAA (p.Ile419Lys) (Accession: VCV001304525.11) variant is an in-frame delins alteration in exon 9 that replaces isoleucine with lysine at codon 419 within the transmembrane region of the ABCG8 protein. It is rare in population databases overall, although it is relatively enriched among East Asian individuals. This variant has been reported in patients with sitosterolemia, including homozygous and compound heterozygous cases, with at least one documented occurrence in trans with a pathogenic ABCG8 variant. It has also been identified in heterozygous individuals with hypercholesterolemia, although a causal relationship has not been established. Computational predictions regarding its functional effect are inconsistent, and the affected residue is not highly conserved across vertebrate species. Moreover, no definitive functional studies have demonstrated an adverse effect on ABCG8 protein function. Given the limited segregation evidence, conflicting in silico predictions, and absence of experimental functional validation, the available evidence remains insufficient to establish pathogenicity. Therefore, ABCG8 c.1256_1257delinsAA (p.Ile419Lys) is classified as a variant of uncertain significance (VUS).

Labcorp Genetics (formerly Invitae), Labcorp
Classification: Pathogenic. Last evaluated: 2025-12-21. Review status: criteria provided, single submitter. Criteria: Invitae Variant Classification Sherloc (09022015). Collection method: clinical testing. Allele origin: germline.
Comment: This sequence change replaces isoleucine, which is neutral and non-polar, with lysine, which is basic and polar, at codon 419 of the ABCG8 protein (p.Ile419Lys). This variant is present in population databases (no rsID available, gnomAD 0.006%). This missense change has been observed in individual(s) with clinical features of sitosterolemia (PMID: 29353225, 32862661, 33014402; internal data). In at least one individual the data is consistent with being in trans (on the opposite chromosome) from a pathogenic variant. ClinVar contains an entry for this variant (Variation ID: 1304525). An algorithm developed to predict the effect of missense changes on protein structure and function (PolyPhen-2) suggests that this variant is likely to be disruptive. For these reasons, this variant has been classified as Pathogenic.

Ambry Genetics
Classification: Uncertain significance for Cardiovascular phenotype. Last evaluated: 2025-03-05. Review status: criteria provided, single submitter. Criteria: Ambry Variant Classification Scheme 2023. Collection method: clinical testing. Allele origin: germline.
Comment: The c.1256_1257delTCinsAA variant (also known as p.I419K), located in coding exon 9 of the ABCG8 gene, results from an in-frame deletion of TC and insertion of AA at nucleotide positions 1256 to 1257. This results in the substitution of the isoleucine residue for a lysine residue at codon 419, an amino acid with dissimilar properties. This variant has been identified in the homozygous state and/or in conjunction with other ABCG8 variant(s) in individual(s) with features consistent with sitosterolemia; in at least one instance, the variants were identified in trans (Hashimoto N et al. Hum Genome Var, 2020 Sep;7:25). This amino acid position is not well conserved in available vertebrate species. In addition, this alteration is predicted to be neutral by in silico analysis (Choi Y et al. PLoS ONE. 2012; 7(10):e46688). Based on data from gnomAD, this allele has an overall frequency of ~0.006% (16/251446) total alleles studied. The highest observed frequency was 0.087% (16/18394) of East Asian alleles. Based on the available evidence, the clinical significance of this variant remains unclear.

GeneDx
Classification: Uncertain significance. Last evaluated: 2019-11-15. Review status: criteria provided, single submitter. Criteria: GeneDx Variant Classification Process June 2021. Collection method: clinical testing. Allele origin: germline. Affected: yes.
Comment: Not observed in large population cohorts (Lek et al., 2016); In silico analysis, which includes protein predictors and evolutionary conservation, supports that this variant does not alter protein structure/function; This variant is associated with the following publications: (PMID: 29353225, 33014402, 32862661)

Literature cited by the submitters: PubMed 29353225 (cited by 3 submitters); PubMed 32275988 (cited by Women's Health and Genetics/Laboratory Corporation of America, LabCorp and Department of Cardiology, Mackay Memorial Hospital); PubMed 35248527 (cited by Women's Health and Genetics/Laboratory Corporation of America, LabCorp and Department of Cardiology, Mackay Memorial Hospital); PubMed 36991406 (cited by Women's Health and Genetics/Laboratory Corporation of America, LabCorp and Department of Cardiology, Mackay Memorial Hospital); PubMed 33014402 (cited by 4 submitters); PubMed 38509578 (cited by Women's Health and Genetics/Laboratory Corporation of America, LabCorp); PubMed 32862661 (cited by Labcorp Genetics (formerly Invitae), Labcorp).

NM_022437.3(ABCG8):c.1256_1257delinsAA (p.Ile419Lys)

Gene: ABCG8 (ATP binding cassette subfamily G member 8; plus strand). Cytogenetic location: 2p21.
Variant type: Indel.
Coding change: c.1256_1257delinsAA on transcript NM_022437.3 (MANE Select); coding-DNA positions 1256 to 1257, TC replaced by AA.
Protein change: p.Ile419Lys; replaces isoleucine 419 with lysine.
Molecular consequence: missense variant.
Genome position (GRCh38, 1-based): chr2:43,873,831-43,873,832, TC replaced by AA. VCF-style: chr2-43873831-TC-AA. GRCh37 (hg19) VCF-style: chr2-44100970-TC-AA.
Other names: c.1256_1257delTCinsAA (NM_022437.2); c.1253_1254delinsAA, p.Ile418Lys (NM_001357321.2); short protein forms I418K, I419K.
Identifiers: ClinVar variation 1304525 (VCV001304525.13), dbSNP rs2104947166, ClinGen allele CA2573051947.